The following is an entry in ClinVar:

NM_000426.4(LAMA2):c.2461A>C (p.Thr821Pro)

Gene: LAMA2 (laminin subunit alpha 2; plus strand). Cytogenetic location: 6q22.33.
Variant type: single nucleotide variant.
Coding change: c.2461A>C on transcript NM_000426.4 (MANE Select); coding-DNA position 2461, A replaced by C.
Protein change: p.Thr821Pro; replaces threonine 821 with proline.
Molecular consequence: missense variant.
Genome position (GRCh38, 1-based): chr6:129,280,071, A>C. VCF-style: chr6-129280071-A-C. GRCh37 (hg19) VCF-style: chr6-129601216-A-C.
Other names: c.2461A>C, p.Thr821Pro (NM_001079823.2); short protein forms T821P.
Identifiers: ClinVar variation 242608 (VCV000242608.12), dbSNP rs186538779, ClinGen allele CA051537.

ClinVar aggregate classification (germline): Pathogenic/Likely pathogenic. Review status: criteria provided, multiple submitters, no conflicts (2 of 4 stars). 3 submissions from 3 submitters: Pathogenic (1); Likely pathogenic (1). 1 of the submissions does not count toward it. Last evaluated 2026-03-06.

Conditions:
LAMA2-related muscular dystrophy (LAMA2-RD). Also called: Laminin alpha 2-related dystrophy. Identifiers: MedGen C5679788, MONDO:0100228.
Merosin deficient congenital muscular dystrophy (MDC1A). Also called: Congenital merosin-deficient muscular dystrophy 1A; Congenital Muscular Dystrophy Type 1A (MDC1A). Identifiers: Orphanet 258, MedGen C1263858, MONDO:0011925, OMIM 607855.

Allele frequency attached by ClinVar (database versions not stated): TOPMed 0.00002.
gnomAD v4.1: 8 of 1,612,354 alleles (0.0005%); highest among the groups gnomAD compares: Admixed American, 0.0017%; no homozygotes.

Submissions (3):

Dasa
Classification: Likely pathogenic for LAMA2-related muscular dystrophy. Last evaluated: 2026-03-06. Review status: criteria provided, single submitter. Criteria: DASA Assertion Criteria. Collection method: clinical testing. Allele origin: germline.
Comment: NM_000426.4(LAMA2):c.2461A>C (p.Thr821Pro) is a missense variant that results in the substitution of threonine with proline. Segregation data support an association with disease in the reported family/families (PMID: 30055037). This variant has been recurrently observed in individuals with LAMA2-related disorders (PMID: 30055037; PMID: 27858741; PMID: 24534542). Also, this variant is rare in population databases. Computational evidence supports a deleterious effect. Based on the currently available evidence, this variant is classified as likely pathogenic.

Labcorp Genetics (formerly Invitae), Labcorp
Classification: Pathogenic for LAMA2-related muscular dystrophy. Last evaluated: 2024-07-29. Review status: criteria provided, single submitter. Criteria: Invitae Variant Classification Sherloc (09022015). Collection method: clinical testing. Allele origin: germline.
Comment: This sequence change replaces threonine, which is neutral and polar, with proline, which is neutral and non-polar, at codon 821 of the LAMA2 protein (p.Thr821Pro). This variant is not present in population databases (gnomAD no frequency). This missense change has been observed in individual(s) with LAMA2-related muscular dystrophy (PMID: 24534542, 27858741, 30055037). In at least one individual the data is consistent with being in trans (on the opposite chromosome) from a pathogenic variant. It has also been observed to segregate with disease in related individuals. ClinVar contains an entry for this variant (Variation ID: 242608). Advanced modeling of protein sequence and biophysical properties (such as structural, functional, and spatial information, amino acid conservation, physicochemical variation, residue mobility, and thermodynamic stability) performed at Invitae indicates that this missense variant is not expected to disrupt LAMA2 protein function with a negative predictive value of 95%. For these reasons, this variant has been classified as Pathogenic.

Counsyl
Classification: Likely pathogenic for Merosin deficient congenital muscular dystrophy. Last evaluated: 2018-02-15. Review status: no assertion criteria provided. Collection method: clinical testing. Allele origin: unknown. Not counted in ClinVar's aggregate classification.

Literature cited by the submitters: PubMed 30055037 (cited by Dasa and Labcorp Genetics (formerly Invitae), Labcorp); PubMed 27858741 (cited by 3 submitters); PubMed 24534542 (cited by 3 submitters).